The following is an entry in ClinVar:

NM_006445.4(PRPF8):c.420C>T (p.Tyr140=)

Gene: PRPF8 (pre-mRNA processing factor 8; minus strand). Cytogenetic location: 17p13.3.
Variant type: single nucleotide variant.
Coding change: c.420C>T on transcript NM_006445.4 (MANE Select); coding-DNA position 420, C replaced by T.
Protein change: p.Tyr140=; no amino-acid change (tyrosine 140 retained).
Molecular consequence: synonymous variant.
Genome position (GRCh38, 1-based): chr17:1,682,143, G>A on the plus strand (C>T on the coding strand, the complement: PRPF8 is on the minus strand). VCF-style: chr17-1682143-G-A. GRCh37 (hg19) VCF-style: chr17-1585437-G-A.
Other names: c.420C>T (NM_006445.3).
Identifiers: ClinVar variation 1924810 (VCV001924810.7), dbSNP rs376556860, ClinGen allele CA8272641.

ClinVar aggregate classification (germline): Likely benign. Review status: criteria provided, multiple submitters, no conflicts (2 of 4 stars). 3 submissions from 3 submitters: Likely benign (3). Last evaluated 2026-05-07.

Conditions:
PRPF8-related disorder. Also called: PRPF8-related condition.

Allele frequency attached by ClinVar (database versions not stated): gnomAD exomes 0.00001; ExAC 0.00004; gnomAD 0.00004; ESP Exome Variant Server 0.00008; TOPMed 0.00011.

Submissions (3):

PreventionGenetics, part of Exact Sciences
Classification: Likely benign for PRPF8-related condition. Last evaluated: 2026-05-07. Review status: criteria provided, single submitter. Criteria: ACMG Guidelines, 2015. Collection method: clinical testing. Allele origin: germline.
Comment: This variant is classified as likely benign based on ACMG/AMP sequence variant interpretation guidelines (Richards et al. 2015 PMID: 25741868, with internal and published modifications).

Labcorp Genetics (formerly Invitae), Labcorp
Classification: Likely benign. Last evaluated: 2025-10-10. Review status: criteria provided, single submitter. Criteria: Invitae Variant Classification Sherloc (09022015). Collection method: clinical testing. Allele origin: germline.

Blueprint Genetics
Classification: Likely benign. Last evaluated: 2022-12-05. Review status: criteria provided, single submitter. Criteria: ACMG Guidelines, 2015. Collection method: clinical testing. Allele origin: germline.